The following is an entry in ClinVar:

ClinVar aggregate classification (germline): Likely benign (1 of 4 stars; one submission).

Submission:

Mayo Clinic Laboratories, Mayo Clinic
Classification: Likely benign. Last evaluated: 2025-07-23. Review status: criteria provided, single submitter. Criteria: ACMG Guidelines, 2015. Collection method: clinical testing. Allele origin: germline. Observed: 2 variant alleles.
Comment: BP4, BP7

NM_001098816.3(TENM4):c.4401G>A (p.Leu1467=)

Gene: TENM4 (teneurin transmembrane protein 4; minus strand). Cytogenetic location: 11q14.1.
Variant type: single nucleotide variant.
Coding change: c.4401G>A on transcript NM_001098816.3 (MANE Select); coding-DNA position 4401, G replaced by A.
Protein change: p.Leu1467=; no amino-acid change (leucine 1467 retained).
Molecular consequence: synonymous variant.
Genome position (GRCh38, 1-based): chr11:78,702,212, C>T on the plus strand (G>A on the coding strand, the complement: TENM4 is on the minus strand). VCF-style: chr11-78702212-C-T. GRCh37 (hg19) VCF-style: chr11-78413257-C-T.
Other names: p.Leu1467=.
Identifiers: ClinVar variation 4683673 (VCV004683673.1).